The following is an entry in ClinVar:

ClinVar aggregate classification (germline): Uncertain significance (1 of 4 stars; one submission).

Allele frequency attached by ClinVar (database versions not stated): gnomAD exomes below 0.00001.
gnomAD v4.1: 9 of 1,613,616 alleles (0.00056%); highest among the groups gnomAD compares: Non-Finnish European, 0.00051%; no homozygotes.

Submission:

Labcorp Genetics (formerly Invitae), Labcorp
Classification: Uncertain significance. Last evaluated: 2022-07-06. Review status: criteria provided, single submitter. Criteria: Invitae Variant Classification Sherloc (09022015). Collection method: clinical testing. Allele origin: germline.
Comment: ClinVar contains an entry for this variant (Variation ID: 1470855). This sequence change replaces methionine, which is neutral and non-polar, with valine, which is neutral and non-polar, at codon 44 of the POC1A protein (p.Met44Val). This variant is not present in population databases (gnomAD no frequency). This variant has not been reported in the literature in individuals affected with POC1A-related conditions. Algorithms developed to predict the effect of missense changes on protein structure and function are either unavailable or do not agree on the potential impact of this missense change (SIFT: "Not Available"; PolyPhen-2: "Possibly Damaging"; Align-GVGD: "Not Available"). In summary, the available evidence is currently insufficient to determine the role of this variant in disease. Therefore, it has been classified as a Variant of Uncertain Significance.

NM_015426.5(POC1A):c.130A>G (p.Met44Val)

Gene: POC1A (POC1 centriolar protein A; minus strand). Cytogenetic location: 3p21.2.
Variant type: single nucleotide variant.
Coding change: c.130A>G on transcript NM_015426.5 (MANE Select); coding-DNA position 130, A replaced by G.
Protein change: p.Met44Val; replaces methionine 44 with valine.
Molecular consequence: missense variant.
Genome position (GRCh38, 1-based): chr3:52,149,961, T>C on the plus strand (A>G on the coding strand, the complement: POC1A is on the minus strand). VCF-style: chr3-52149961-T-C. GRCh37 (hg19) VCF-style: chr3-52183977-T-C.
Other names: c.130A>G, p.Met44Val (NM_001161580.2); c.16A>G, p.Met6Val (NM_001161581.2); short protein forms M44V, M6V.
Identifiers: ClinVar variation 1470855 (VCV001470855.8), dbSNP rs1053072293, ClinGen allele CA353050742.
Genomic context (GRCh38, chr3:52,149,961, plus strand): 5'-CGGCATCCTTGTGGCCAGTGAAGCGGTAGGCGCGTGACTGCGGCTTCATGTGCCAGACCA[T>C]GAGGCATGAGTCCATGGAGCCACTGGCTGAGGACAGTGGGTGATGCTATGACCTACAGCT-3'
Protein context (NP_056241.3, residues 34-54): LASGSMDSCL[Met44Val]VWHMKPQSRA